The following is an entry in ClinVar:

ClinVar aggregate classification (germline): Likely pathogenic (1 of 4 stars; one submission).

Conditions:
Senior-Loken syndrome 8 (SLSN8). Identifiers: Orphanet 3156, MedGen C4225376, MONDO:0014579, OMIM 616307.
Asphyxiating thoracic dystrophy 5 (SRTD5). Also called: SHORT-RIB THORACIC DYSPLASIA 5 WITH OR WITHOUT POLYDACTYLY; SHORT-RIB THORACIC DYSPLASIA 5 WITHOUT POLYDACTYLY. Identifiers: Orphanet 474, MedGen C3280598, MONDO:0013717, OMIM 614376.

Submission:

Labcorp Genetics (formerly Invitae), Labcorp
Classification: Likely pathogenic for Senior-Loken syndrome 8; Asphyxiating thoracic dystrophy 5. Last evaluated: 2024-05-10. Review status: criteria provided, single submitter. Criteria: Invitae Variant Classification Sherloc (09022015). Collection method: clinical testing. Allele origin: germline.
Comment: This sequence change affects a donor splice site in intron 24 of the WDR19 gene. It is expected to disrupt RNA splicing. Variants that disrupt the donor or acceptor splice site typically lead to a loss of protein function (PMID: 16199547), and loss-of-function variants in WDR19 are known to be pathogenic (PMID: 22019273, 23559409, 23683095, 26275793, 27241786, 29068549). This variant is not present in population databases (gnomAD no frequency). This variant has not been reported in the literature in individuals affected with WDR19-related conditions. Algorithms developed to predict the effect of sequence changes on RNA splicing suggest that this variant may disrupt the consensus splice site. In summary, the currently available evidence indicates that the variant is pathogenic, but additional data are needed to prove that conclusively. Therefore, this variant has been classified as Likely Pathogenic.

Literature cited by the submitters: PubMed 16199547; PubMed 22019273; PubMed 23559409; PubMed 23683095; PubMed 26275793; PubMed 27241786; PubMed 29068549.

NM_025132.4(WDR19):c.2729+1G>T

Gene: WDR19 (WD repeat domain 19; plus strand). Cytogenetic location: 4p14.
Variant type: single nucleotide variant.
Coding change: c.2729+1G>T on transcript NM_025132.4 (MANE Select); the canonical splice donor site of the intron after coding-DNA position 2729, G replaced by T.
Molecular consequence: splice donor variant.
Genome position (GRCh38, 1-based): chr4:39,245,453, G>T. VCF-style: chr4-39245453-G-T. GRCh37 (hg19) VCF-style: chr4-39247073-G-T.
Other names: c.2249+1G>T (NM_001317924.2).
Identifiers: ClinVar variation 3750358 (VCV003750358.2).